The following is an entry in ClinVar:

ClinVar aggregate classification (germline): Benign/Likely benign. Review status: criteria provided, multiple submitters, no conflicts (2 of 4 stars). 2 submissions from 2 submitters: Benign (1); Likely benign (1). Last evaluated 2024-11-26.

Allele frequency attached by ClinVar (database versions not stated): 1000 Genomes Project 30x 0.02186.

Submissions (2):

Blueprint Genetics
Classification: Likely benign. Last evaluated: 2024-11-26. Review status: criteria provided, single submitter. Criteria: ACMG Guidelines, 2015. Collection method: clinical testing. Allele origin: germline.

CeGaT Center for Human Genetics Tuebingen
Classification: Benign. Last evaluated: 2023-01-01. Review status: criteria provided, single submitter. Criteria: CeGaT Center For Human Genetics Tuebingen Variant Classification Criteria Version 2. Collection method: clinical testing. Allele origin: germline. Affected: yes. Observed: 1 variant allele.
Comment: HLA-DRB1: BP4, BS1, BS2

NM_002124.4(HLA-DRB1):c.165C>A (p.Phe55Leu)

Gene: HLA-DRB1 (major histocompatibility complex, class II, DR beta 1; minus strand). Cytogenetic location: 6p21.32.
Variant type: single nucleotide variant.
Coding change: c.165C>A on transcript NM_002124.4 (MANE Select); coding-DNA position 165, C replaced by A.
Protein change: p.Phe55Leu; replaces phenylalanine 55 with leucine.
Molecular consequence: missense variant.
Genome position (GRCh38, 1-based): chr6:32,584,314, G>T on the plus strand (C>A on the coding strand, the complement: HLA-DRB1 is on the minus strand). VCF-style: chr6-32584314-G-T. GRCh37 (hg19) VCF-style: chr6-32552091-G-T.
Other names: short protein forms F55L.
Identifiers: ClinVar variation 2499006 (VCV002499006.29), dbSNP rs1059572, ClinGen allele CA3743364.